The following is an entry in ClinVar:

ClinVar aggregate classification (germline): Uncertain significance (1 of 4 stars; one submission).

gnomAD v4.1: 1 of 1,613,878 alleles (0.000062%); highest among the groups gnomAD compares: Non-Finnish European, 0.000085%; no homozygotes.

Submission:

Labcorp Genetics (formerly Invitae), Labcorp
Classification: Uncertain significance. Last evaluated: 2024-07-29. Review status: criteria provided, single submitter. Criteria: Invitae Variant Classification Sherloc (09022015). Collection method: clinical testing. Allele origin: germline.
Comment: This sequence change replaces glutamic acid, which is acidic and polar, with aspartic acid, which is acidic and polar, at codon 3248 of the VCAN protein (p.Glu3248Asp). This variant is not present in population databases (gnomAD no frequency). This variant has not been reported in the literature in individuals affected with VCAN-related conditions. ClinVar contains an entry for this variant (Variation ID: 2066064). An algorithm developed to predict the effect of missense changes on protein structure and function (PolyPhen-2) suggests that this variant is likely to be disruptive. In summary, the available evidence is currently insufficient to determine the role of this variant in disease. Therefore, it has been classified as a Variant of Uncertain Significance.

NM_004385.5(VCAN):c.9744G>T (p.Glu3248Asp)

Gene: VCAN (versican; plus strand). Cytogenetic location: 5q14.3.
Variant type: single nucleotide variant.
Coding change: c.9744G>T on transcript NM_004385.5 (MANE Select); coding-DNA position 9744, G replaced by T.
Protein change: p.Glu3248Asp; replaces glutamic acid 3248 with aspartic acid.
Molecular consequence: missense variant.
Genome position (GRCh38, 1-based): chr5:83,572,424, G>T. VCF-style: chr5-83572424-G-T. GRCh37 (hg19) VCF-style: chr5-82868243-G-T.
Other names: c.1521G>T, p.Glu507Asp (NM_001126336.3); c.6783G>T, p.Glu2261Asp (NM_001164097.2); c.4482G>T, p.Glu1494Asp (NM_001164098.2); short protein forms E1494D, E2261D, E3248D, E507D.
Identifiers: ClinVar variation 2066064 (VCV002066064.4), dbSNP rs777078227, ClinGen allele CA360298545.